The following is an entry in ClinVar:

NM_030665.4(RAI1):c.304G>A (p.Val102Ile)

Gene: RAI1 (retinoic acid induced 1; plus strand). Cytogenetic location: 17p11.2.
Variant type: single nucleotide variant.
Coding change: c.304G>A on transcript NM_030665.4 (MANE Select); coding-DNA position 304, G replaced by A.
Protein change: p.Val102Ile; replaces valine 102 with isoleucine.
Molecular consequence: missense variant.
Genome position (GRCh38, 1-based): chr17:17,793,252, G>A. VCF-style: chr17-17793252-G-A. GRCh37 (hg19) VCF-style: chr17-17696566-G-A.
Other names: c.304G>A (NM_030665.3); short protein forms V102I.
Identifiers: ClinVar variation 1405472 (VCV001405472.9), dbSNP rs762006898, ClinGen allele CA8418098.

ClinVar aggregate classification (germline): Likely benign. Review status: criteria provided, single submitter (1 of 4 stars). 2 submissions from 2 submitters: Likely benign (1). 1 of the submissions does not count toward it. Last evaluated 2025-11-07.

Conditions:
RAI1-related disorder. Also called: RAI1-related condition.

Allele frequency attached by ClinVar (database versions not stated): ExAC 0.00001; gnomAD 0.00002 and 0.00003; gnomAD exomes 0.00002; TOPMed 0.00002.
gnomAD v4.1: 34 of 1,611,690 alleles (0.0021%); highest among the groups gnomAD compares: East Asian, 0.016%; no homozygotes.

Submissions (2):

Labcorp Genetics (formerly Invitae), Labcorp
Classification: Likely benign. Last evaluated: 2025-11-07. Review status: criteria provided, single submitter. Criteria: Invitae Variant Classification Sherloc (09022015). Collection method: clinical testing. Allele origin: germline.

PreventionGenetics, part of Exact Sciences
Classification: Uncertain significance for RAI1-related condition. Last evaluated: 2024-02-15. Review status: no assertion criteria provided. Collection method: clinical testing. Allele origin: germline. Not counted in ClinVar's aggregate classification.
Comment: The RAI1 c.304G>A variant is predicted to result in the amino acid substitution p.Val102Ile. To our knowledge, this variant has not been reported in the literature. This variant is reported in 0.020% of alleles in individuals of Ashkenazi Jewish descent in gnomAD. Although we suspect this variant could be benign, at this time, the clinical significance of this variant is uncertain due to the absence of conclusive functional and genetic evidence.